The following is an entry in ClinVar:

ClinVar aggregate classification (germline): Uncertain significance (1 of 4 stars; one submission).

Conditions:
Inborn genetic diseases. Identifiers: MedGen C0950123, MeSH D030342.

Submission:

Ambry Genetics
Classification: Uncertain significance for Inborn genetic diseases. Last evaluated: 2020-03-20. Review status: criteria provided, single submitter. Criteria: Ambry Variant Classification Scheme 2023. Collection method: clinical testing. Allele origin: germline.
Comment: The p.Q460H variant (also known as c.1380G>T), located in coding exon 9 of the FAM134B gene, results from a G to T substitution at nucleotide position 1380. The glutamine at codon 460 is replaced by histidine, an amino acid with highly similar properties. This amino acid position is highly conserved in available vertebrate species. In addition, this alteration is predicted to be deleterious by in silico analysis. Since supporting evidence is limited at this time, the clinical significance of this alteration remains unclear.

NM_001034850.3(RETREG1):c.1380G>T (p.Gln460His)

Gene: RETREG1 (reticulophagy regulator 1; minus strand). Cytogenetic location: 5p15.1.
Variant type: single nucleotide variant.
Coding change: c.1380G>T on transcript NM_001034850.3 (MANE Select); coding-DNA position 1380, G replaced by T.
Protein change: p.Gln460His; replaces glutamine 460 with histidine.
Molecular consequence: missense variant.
Genome position (GRCh38, 1-based): chr5:16,474,855, C>A on the plus strand (G>T on the coding strand, the complement: RETREG1 is on the minus strand). VCF-style: chr5-16474855-C-A. GRCh37 (hg19) VCF-style: chr5-16474964-C-A.
Other names: c.957G>T, p.Gln319His (NM_019000.5); short protein forms Q319H, Q460H.
Identifiers: ClinVar variation 1800226 (VCV001800226.2), dbSNP rs2477453889, ClinGen allele CA359255697.
Genomic context (GRCh38, chr5:16,474,855, plus strand): 5'-TGCTTCTGCTTCCTGGTCTTGTGTAAGTCCCAATTCACTCTCAATTTGATCCAGCTCTGA[C>A]TGGTCAAGTAGTTCAAAGTCATCACCTTCTTCAGTGTCTGTGTCCTCTTCTGGGATGGGG-3'
Protein context (NP_001030022.1, residues 450-470): EEGDDFELLD[Gln460His]SELDQIESEL